The following is an entry in ClinVar:

ClinVar aggregate classification (germline): Conflicting classifications of pathogenicity. Review status: criteria provided, conflicting classifications (1 of 4 stars). 3 submissions from 3 submitters: Pathogenic (1); Likely pathogenic (1); Uncertain significance (1). Last evaluated 2025-07-27.

Conditions:
Cardiovascular phenotype. Identifiers: MedGen CN230736.
Arrhythmogenic right ventricular dysplasia 12. Also called: ARRHYTHMOGENIC RIGHT VENTRICULAR DYSPLASIA, FAMILIAL, 12. Identifiers: MedGen C1969081, MONDO:0012684, OMIM 611528.
Naxos disease (NXD). Also called: KERATOSIS PALMOPLANTARIS WITH ARRHYTHMOGENIC CARDIOMYOPATHY; MAL DE NAXOS; PALMOPLANTAR KERATODERMA WITH ARRHYTHMOGENIC RIGHT VENTRICULAR CARDIOMYOPATHY AND WOOLLY HAIR; CARDIOMYOPATHY, ARRHYTHMOGENIC RIGHT VENTRICULAR, WITH SKIN, HAIR, AND NAIL ABNORMALITIES; WOOLLY HAIR, PALMOPLANTAR KERATODERMA, AND CARDIAC ABNORMALITIES. Identifiers: Orphanet 34217, MedGen C1832600, MONDO:0011017, OMIM 601214.

Allele frequency attached by ClinVar (database versions not stated): TOPMed below 0.00001; gnomAD exomes 0.00001; ExAC 0.00002.
gnomAD v4.1: 11 of 1,609,018 alleles (0.00068%); highest among the groups gnomAD compares: Admixed American, 0.0067%; no homozygotes.

Submissions (3):

Labcorp Genetics (formerly Invitae), Labcorp
Classification: Pathogenic for Arrhythmogenic right ventricular dysplasia 12; Naxos disease. Last evaluated: 2025-07-27. Review status: criteria provided, single submitter. Criteria: Invitae Variant Classification Sherloc (09022015). Collection method: clinical testing. Allele origin: germline.
Comment: This sequence change creates a premature translational stop signal (p.Arg115*) in the JUP gene. It is expected to result in an absent or disrupted protein product. Loss-of-function variants in JUP are known to be pathogenic (PMID: 10902626). This variant is present in population databases (rs782203227, gnomAD 0.009%). This variant has not been reported in the literature in individuals affected with JUP-related conditions. ClinVar contains an entry for this variant (Variation ID: 1457031). For these reasons, this variant has been classified as Pathogenic.

GeneDx
Classification: Likely pathogenic. Last evaluated: 2024-05-01. Review status: criteria provided, single submitter. Criteria: GeneDx Variant Classification Process June 2021. Collection method: clinical testing. Allele origin: germline. Affected: yes.
Comment: Has not been previously published as pathogenic or benign to our knowledge; Not observed at significant frequency in large population cohorts (gnomAD); Nonsense variant predicted to result in protein truncation or nonsense mediated decay in a gene for which loss of function is a known mechanism of disease

Ambry Genetics
Classification: Uncertain significance for Cardiovascular phenotype. Last evaluated: 2020-12-28. Review status: criteria provided, single submitter. Criteria: Ambry Variant Classification Scheme 2023. Collection method: clinical testing. Allele origin: germline.
Comment: The p.R115* variant (also known as c.343C>T), located in coding exon 2 of the JUP gene, results from a C to T substitution at nucleotide position 343. This changes the amino acid from an arginine to a stop codon within coding exon 2. However, although loss of function of JUP is pathogenic with respect to autosomal recessive disease, loss of function has not been clearly established as a mechanism of disease for autosomal dominant arrhythmogenic right ventricular cardiomyopathy (AD ARVC). Since evidence supporting a role for this alteration in AD ARVC is limited at this time, the clinical significance of this alteration remains unclear.

Literature cited by the submitters: PubMed 10902626 (cited by Labcorp Genetics (formerly Invitae), Labcorp).

NM_002230.4(JUP):c.343C>T (p.Arg115Ter)

Gene: JUP (junction plakoglobin; minus strand). Cytogenetic location: 17q21.2.
Variant type: single nucleotide variant.
Coding change: c.343C>T on transcript NM_002230.4 (MANE Select); coding-DNA position 343, C replaced by T.
Protein change: p.Arg115Ter; replaces arginine 115 with a stop codon.
Molecular consequence: nonsense.
Genome position (GRCh38, 1-based): chr17:41,769,543, G>A on the plus strand (C>T on the coding strand, the complement: JUP is on the minus strand). VCF-style: chr17-41769543-G-A. GRCh37 (hg19) VCF-style: chr17-39925795-G-A.
Other names: c.343C>T, p.Arg115Ter (NM_001352773.2, NM_001352774.2, NM_001352775.2 and 3 more transcripts); short protein forms R115*.
Identifiers: ClinVar variation 1457031 (VCV001457031.9), dbSNP rs782203227, ClinGen allele CA8565519.